The following is an entry in ClinVar:

ClinVar aggregate classification (germline): Likely benign. Review status: criteria provided, single submitter (1 of 4 stars). 2 submissions from 2 submitters: Likely benign (1). 1 of the submissions does not count toward it. Last evaluated 2024-01-21.

Conditions:
ITGB4-related disorder. Also called: ITGB4-related condition.

Allele frequency attached by ClinVar (database versions not stated): TOPMed below 0.00001; gnomAD 0.00003; gnomAD exomes 0.00006; ExAC 0.00020; 1000 Genomes Project 30x 0.00078; 1000 Genomes Project 0.00080.
gnomAD v4.1: 91 of 1,608,692 alleles (0.0057%); highest among the groups gnomAD compares: South Asian, 0.093%; no homozygotes.

Submissions (2):

Labcorp Genetics (formerly Invitae), Labcorp
Classification: Likely benign. Last evaluated: 2024-01-21. Review status: criteria provided, single submitter. Criteria: Invitae Variant Classification Sherloc (09022015). Collection method: clinical testing. Allele origin: germline.

PreventionGenetics, part of Exact Sciences
Classification: Likely benign for ITGB4-related condition. Last evaluated: 2019-07-04. Review status: no assertion criteria provided. Collection method: clinical testing. Allele origin: germline. Not counted in ClinVar's aggregate classification.
Comment: This variant is classified as likely benign based on ACMG/AMP sequence variant interpretation guidelines (Richards et al. 2015 PMID: 25741868, with internal and published modifications).

NM_000213.5(ITGB4):c.2955G>A (p.Lys985=)

Gene: ITGB4 (integrin subunit beta 4; plus strand). Cytogenetic location: 17q25.1.
Variant type: single nucleotide variant.
Coding change: c.2955G>A on transcript NM_000213.5 (MANE Select); coding-DNA position 2955, G replaced by A.
Protein change: p.Lys985=; no amino-acid change (lysine 985 retained).
Molecular consequence: synonymous variant.
Genome position (GRCh38, 1-based): chr17:75,742,754, G>A. VCF-style: chr17-75742754-G-A. GRCh37 (hg19) VCF-style: chr17-73738835-G-A.
Other names: c.2955G>A, p.Lys985= (NM_001005619.2, NM_001005731.3, NM_001321123.2).
Identifiers: ClinVar variation 3002362 (VCV003002362.5), dbSNP rs565947959, ClinGen allele CA8769630.